The following is an entry in ClinVar:

ClinVar aggregate classification (germline): Uncertain significance (1 of 4 stars; one submission).

Conditions:
Peroxisome biogenesis disorder 2B (PBD2B). Identifiers: Orphanet 44, MedGen C3550234, MONDO:0008736, OMIM 202370.

Submission:

Labcorp Genetics (formerly Invitae), Labcorp
Classification: Uncertain significance for Peroxisome biogenesis disorder 2B. Last evaluated: 2022-07-26. Review status: criteria provided, single submitter. Criteria: Invitae Variant Classification Sherloc (09022015). Collection method: clinical testing. Allele origin: germline.
Comment: This variant is not present in population databases (gnomAD no frequency). This sequence change replaces proline, which is neutral and non-polar, with alanine, which is neutral and non-polar, at codon 42 of the PEX5 protein (p.Pro42Ala). This variant has not been reported in the literature in individuals affected with PEX5-related conditions. In summary, the available evidence is currently insufficient to determine the role of this variant in disease. Therefore, it has been classified as a Variant of Uncertain Significance. Algorithms developed to predict the effect of missense changes on protein structure and function (SIFT, PolyPhen-2, Align-GVGD) all suggest that this variant is likely to be tolerated. ClinVar contains an entry for this variant (Variation ID: 1474006).

NM_001351132.2(PEX5):c.124C>G (p.Pro42Ala)

Gene: PEX5 (peroxisomal biogenesis factor 5; plus strand). Cytogenetic location: 12p13.31.
Variant type: single nucleotide variant.
Coding change: c.124C>G on transcript NM_001351132.2 (MANE Select); coding-DNA position 124, C replaced by G.
Protein change: p.Pro42Ala; replaces proline 42 with alanine.
Molecular consequence: missense variant.
Genome position (GRCh38, 1-based): chr12:7,190,501, C>G. VCF-style: chr12-7190501-C-G. GRCh37 (hg19) VCF-style: chr12-7343097-C-G.
Other names: c.124C>G, p.Pro42Ala (NM_001351133.2, NM_001351134.2, NM_001351135.3 and 22 more transcripts); short protein forms P42A.
Identifiers: ClinVar variation 1474006 (VCV001474006.8), dbSNP rs2135879394, ClinGen allele CA383708121.